The following is an entry in ClinVar:

ClinVar aggregate classification (germline): Uncertain significance (1 of 4 stars; one submission).

Submission:

Ambry Genetics
Classification: Uncertain significance. Last evaluated: 2025-04-28. Review status: criteria provided, single submitter. Criteria: Ambry Variant Classification Scheme 2023. Collection method: clinical testing. Allele origin: germline.
Comment: The p.A464T variant (also known as c.1390G>A), located in coding exon 14 of the KIF1B gene, results from a G to A substitution at nucleotide position 1390. The alanine at codon 464 is replaced by threonine, an amino acid with similar properties. This amino acid position is conserved. In addition, the in silico prediction for this alteration is inconclusive. Based on the available evidence, the clinical significance of this variant remains unclear.

NM_001365951.3(KIF1B):c.1528G>A (p.Ala510Thr)

Gene: KIF1B (kinesin family member 1B; plus strand). Cytogenetic location: 1p36.22.
Variant type: single nucleotide variant.
Coding change: c.1528G>A on transcript NM_001365951.3 (MANE Select); coding-DNA position 1528, G replaced by A.
Protein change: p.Ala510Thr; replaces alanine 510 with threonine.
Molecular consequence: missense variant.
Genome position (GRCh38, 1-based): chr1:10,292,060, G>A. VCF-style: chr1-10292060-G-A. GRCh37 (hg19) VCF-style: chr1-10352118-G-A.
Other names: c.1528G>A, p.Ala510Thr (NM_001365952.1); c.1390G>A, p.Ala464Thr (NM_001365953.1, NM_015074.3, NM_183416.4); short protein forms A464T, A510T.
Identifiers: ClinVar variation 4043123 (VCV004043123.1).